The following is an entry in ClinVar:

NM_198904.4(GABRG2):c.798T>C (p.Phe266=)

Gene: GABRG2 (gamma-aminobutyric acid type A receptor subunit gamma2; plus strand). Cytogenetic location: 5q34.
Variant type: single nucleotide variant.
Coding change: c.798T>C on transcript NM_198904.4 (MANE Select); coding-DNA position 798, T replaced by C.
Protein change: p.Phe266=; no amino-acid change (phenylalanine 266 retained).
Molecular consequence: synonymous variant.
Genome position (GRCh38, 1-based): chr5:162,142,192, T>C. VCF-style: chr5-162142192-T-C. GRCh37 (hg19) VCF-style: chr5-161569198-T-C.
Other names: p.F266F:TTT>TTC; c.789T>C, p.Phe263= (NM_001375339.1); c.798T>C, p.Phe266= (NM_001375340.1, NM_000816.3); c.795T>C, p.Phe265= (NM_001375341.1, NM_001375342.1); c.918T>C, p.Phe306= (NM_001375343.1, NM_198903.2); c.837T>C, p.Phe279= (NM_001375344.1); c.732T>C, p.Phe244= (NM_001375345.1, NM_001375346.1); c.711T>C, p.Phe237= (NM_001375347.1); and 2 more.
Identifiers: ClinVar variation 137429 (VCV000137429.44), dbSNP rs115126975, ClinGen allele CA291005.

ClinVar aggregate classification (germline): Conflicting classifications of pathogenicity. Review status: criteria provided, conflicting classifications (1 of 4 stars). 5 submissions from 5 submitters: Uncertain significance (1); Benign (3); Likely benign (1). Last evaluated 2026-01-22.

Conditions:
Inborn genetic diseases. Identifiers: MedGen C0950123, MeSH D030342.
Febrile seizures, familial, 8 (FEB8). Also called: CONVULSIONS, FAMILIAL FEBRILE, 8. Identifiers: Orphanet 36387, MedGen C1969810, MONDO:0011891, OMIM 607681.
EPILEPSY, CHILDHOOD ABSENCE, SUSCEPTIBILITY TO, 2 (ECA2). Identifiers: Orphanet 64280, MedGen C1843244, OMIM 607681.

Allele frequency attached by ClinVar (database versions not stated): gnomAD exomes 0.00005 and 0.00015; ExAC 0.00019; ESP Exome Variant Server 0.00054; gnomAD 0.00063 and 0.00067; TOPMed 0.00065; 1000 Genomes Project 0.00100; 1000 Genomes Project 30x 0.00125.
gnomAD v4.1: 174 of 1,614,112 alleles (0.011%); highest among the groups gnomAD compares: African/African-American, 0.19%; 2 homozygotes.

Submissions (5):

Labcorp Genetics (formerly Invitae), Labcorp
Classification: Benign for Febrile seizures, familial, 8; EPILEPSY, CHILDHOOD ABSENCE, SUSCEPTIBILITY TO, 2. Last evaluated: 2026-01-22. Review status: criteria provided, single submitter. Criteria: Invitae Variant Classification Sherloc (09022015). Collection method: clinical testing. Allele origin: germline.

CeGaT Center for Human Genetics Tuebingen
Classification: Likely benign. Last evaluated: 2023-05-01. Review status: criteria provided, single submitter. Criteria: CeGaT Center For Human Genetics Tuebingen Variant Classification Criteria Version 2. Collection method: clinical testing. Allele origin: germline. Affected: yes. Observed: 1 variant allele.
Comment: GABRG2: BP4, BP7

Ambry Genetics
Classification: Benign for Inborn genetic diseases. Last evaluated: 2020-06-08. Review status: criteria provided, single submitter. Criteria: Ambry Variant Classification Scheme 2023. Collection method: clinical testing. Allele origin: germline.

Eurofins Ntd Llc (ga)
Classification: Uncertain significance. Last evaluated: 2017-06-27. Review status: criteria provided, single submitter. Criteria: EGL Classification Definitions 2015. Collection method: clinical testing. Allele origin: germline. Observed: 1 variant allele, 1 heterozygote.

GeneDx
Classification: Benign. Last evaluated: 2014-02-20. Review status: criteria provided, single submitter. Criteria: GeneDx Variant Classification (06012015). Collection method: clinical testing. Allele origin: germline. Affected: yes.
Comment: This variant is considered likely benign or benign based on one or more of the following criteria: it is a conservative change, it occurs at a poorly conserved position in the protein, it is predicted to be benign by multiple in silico algorithms, and/or has population frequency not consistent with disease.